The following is an entry in ClinVar:

ClinVar aggregate classification (germline): Benign/Likely benign. Review status: criteria provided, multiple submitters, no conflicts (2 of 4 stars). 6 submissions from 6 submitters: Benign (1); Likely benign (2). 3 of the submissions do not count toward it. Last evaluated 2025-11-06.

Allele frequency attached by ClinVar (database versions not stated): gnomAD 0.00005 and 0.00006; TOPMed 0.00008.
gnomAD v4.1: 121 of 1,613,616 alleles (0.0075%); highest among the groups gnomAD compares: Non-Finnish European, 0.0097%; no homozygotes.

Submissions (6):

Labcorp Genetics (formerly Invitae), Labcorp
Classification: Likely benign. Last evaluated: 2025-11-06. Review status: criteria provided, single submitter. Criteria: Invitae Variant Classification Sherloc (09022015). Collection method: clinical testing. Allele origin: germline.

Mayo Clinic Laboratories, Mayo Clinic
Classification: Likely benign. Last evaluated: 2025-09-22. Review status: criteria provided, single submitter. Criteria: ACMG Guidelines, 2015. Collection method: clinical testing. Allele origin: germline. Observed: 1 variant allele.
Comment: BP4, BP7

Laboratory of Genetics, Children's Clinical University Hospital Latvia
Classification: Benign. Last evaluated: 2025-02-16. Review status: criteria provided, single submitter. Criteria: ACMG Guidelines, 2015. Collection method: clinical testing. Allele origin: germline. Affected: yes.

Clinical Genetics DNA and cytogenetics Diagnostics Lab, Erasmus MC, Erasmus Medical Center
Classification: Likely benign. Review status: no assertion criteria provided. Collection method: clinical testing. Allele origin: germline. Affected: yes. Study: VKGL Data-share Consensus. Not counted in ClinVar's aggregate classification.

Clinical Genetics, Academic Medical Center
Classification: Benign. Review status: no assertion criteria provided. Collection method: clinical testing. Allele origin: germline. Affected: yes. Study: VKGL Data-share Consensus. Not counted in ClinVar's aggregate classification.

Genome Diagnostics Laboratory, University Medical Center Utrecht
Classification: Likely benign. Review status: no assertion criteria provided. Collection method: clinical testing. Allele origin: germline. Affected: yes. Study: VKGL Data-share Consensus. Not counted in ClinVar's aggregate classification.

NM_001261826.3(AP3D1):c.3285C>T (p.His1095=)

Gene: AP3D1 (adaptor related protein complex 3 subunit delta 1; minus strand). Cytogenetic location: 19p13.3.
Variant type: single nucleotide variant.
Coding change: c.3285C>T on transcript NM_001261826.3 (MANE Select); coding-DNA position 3285, C replaced by T.
Protein change: p.His1095=; no amino-acid change (histidine 1095 retained).
Molecular consequence: synonymous variant.
Genome position (GRCh38, 1-based): chr19:2,109,938, G>A on the plus strand (C>T on the coding strand, the complement: AP3D1 is on the minus strand). VCF-style: chr19-2109938-G-A. GRCh37 (hg19) VCF-style: chr19-2109937-G-A.
Other names: p.His1095=; c.3249C>T, p.His1083= (NM_001374799.1); c.3099C>T, p.His1033= (NM_003938.8).
Identifiers: ClinVar variation 1284700 (VCV001284700.10), dbSNP rs773829362, ClinGen allele CA9058449.
Genomic context (GRCh38, chr19:2,109,938, plus strand): 5'-GCAGGGAGTGGTGATCAAGTAGGAGCTGCAGCTGAAGTGCAGCCTGAAGTCCAGCTTCTC[G>A]TGGGTCGCACCCTCGTCATTCTGCGGTGGAGTGAAGGTGGTGCAGTTGAGAGGGGAGTCG-3'
Protein context (NP_001248755.1, residues 1085-1105): FIAKNDEGAT[His1095=]EKLDFRLHFS